The following is an entry in ClinVar:

NM_000180.4(GUCY2D):c.2917G>T (p.Val973Leu)

Gene: GUCY2D (guanylate cyclase 2D, retinal; plus strand). Cytogenetic location: 17p13.1.
Variant type: single nucleotide variant.
Coding change: c.2917G>T on transcript NM_000180.4 (MANE Select); coding-DNA position 2917, G replaced by T.
Protein change: p.Val973Leu; replaces valine 973 with leucine.
Molecular consequence: missense variant.
Genome position (GRCh38, 1-based): chr17:8,015,475, G>T. VCF-style: chr17-8015475-G-T. GRCh37 (hg19) VCF-style: chr17-7918793-G-T.
Other names: NM_000180.4(GUCY2D):c.2917G>T; p.Val973Leu; short protein forms V973L.
Identifiers: ClinVar variation 744554 (VCV000744554.11), dbSNP rs181567056, ClinGen allele CA8366252.

ClinVar aggregate classification (germline): Likely benign. Review status: reviewed by expert panel (3 of 4 stars). 2 submissions from 2 submitters: Likely benign (1). 1 of the submissions does not count toward it. Last evaluated 2025-01-31.

Conditions:
GUCY2D-related recessive retinopathy. Also called: Recessive GUCY2D retinopathy. Identifiers: MedGen CN305603, MONDO:0100453.
Cone-rod dystrophy 6 (CORD6). Also called: RETINAL CONE DYSTROPHY 2; Cone dystrophy progressive. Identifiers: Orphanet 1872, MedGen C1866293, MONDO:0011143, OMIM 601777.
Leber congenital amaurosis 1 (LCA1). Also called: AMAUROSIS CONGENITA OF LEBER I; Congenital absence of the rods and cones; Leber's congenital tapetoretinal degeneration; Leber's congenital tapetoretinal dysplasia; RETINAL BLINDNESS, CONGENITAL. Identifiers: Orphanet 65, MedGen C2931258, MONDO:0008764, OMIM 204000.

Allele frequency attached by ClinVar (database versions not stated): TOPMed 0.00004; 1000 Genomes Project 30x 0.00062; 1000 Genomes Project 0.00080; gnomAD 0.00191.
gnomAD v4.1: 1,000 of 1,612,860 alleles (0.062%); highest among the groups gnomAD compares: Non-Finnish European, 0.0065%; 3 homozygotes.

Submissions (2):

ClinGen Leber Congenital Amaurosis/early Onset Retinal Dystrophy Variant Curation Expert Panel, ClinGen
Classification: Likely benign for GUCY2D-related recessive retinopathy. Last evaluated: 2025-01-31. Review status: reviewed by expert panel. Criteria: ClinGen LCAeoRD ACMG Specifications GUCY2D V1.0.0. Collection method: curation. Allele origin: germline. Inheritance: Autosomal recessive inheritance.
Comment: The NM_000180.4(GUCY2D):c.2917G>T (p.Val973Leu) variant is predicted to replace the valine at position p.973 with leucine. This variant is present in gnomAD v.4.1.0 at a total allele frequency of 0.0006200, with 1000 alleles / 1612860 total alleles, which is higher than the ClinGen LCA/eoRD VCEP PM2_Supporting threshold of <0.0004 and fails to meet this criterion. The LCA/eoRD VCEP chose to use the population frequency in the Finnish population over the Grpmax frequency to meet the BS1 criteria - with a frequency of 0.01376 with 877 alleles / 63722 total alleles in the Finnish population, the BS1 cutoff >0.0016 is significantly exceeded (BS1). This variant has been found in the homozygous state in 3 adult individuals in gnomAD (gnomAD version 4.1.1; BS2_supporting). The computational predictor REVEL gives a score of 0.51, which is below the ClinGen LCA/eoRD VCEP threshold of ≥0.644 for PP3 and above the threshold of <0.290 for BP4. Additionally, the splicing impact predictor SpliceAI gives a score of 0.10, which predicts a low or indeterminate impact on splicing. Neither PP3 nor BP4 is met. In summary, this variant meets the criteria to be classified as Likely Benign for GUCY2D-related recessive retinopathy based on the ACMG/AMP criteria applied, as specified by the ClinGen LCA/eoRD VCEP: BS1, BS2_Supporting. (VCEP specifications version 1.0.0; date of approval 01/22/2025).

Labcorp Genetics (formerly Invitae), Labcorp
Classification: Benign for Leber congenital amaurosis 1; Cone-rod dystrophy 6. Last evaluated: 2025-11-08. Review status: criteria provided, single submitter. Criteria: Invitae Variant Classification Sherloc (09022015). Collection method: clinical testing. Allele origin: germline. Not counted in ClinVar's aggregate classification.